The following is an entry in ClinVar:

ClinVar aggregate classification (germline): Conflicting classifications of pathogenicity. Review status: criteria provided, conflicting classifications (1 of 4 stars). 2 submissions from 2 submitters: Uncertain significance (1); Likely benign (1). Last evaluated 2025-04-18.

Conditions:
Landau-Kleffner syndrome (FESD). Also called: EPILEPSY, FOCAL, WITH SPEECH DISORDER AND WITH OR WITHOUT MENTAL RETARDATION; APHASIA, ACQUIRED, WITH EPILEPSY. Identifiers: Orphanet 1945, Orphanet 725, Orphanet 98818, MedGen C0282512, MONDO:0009509, OMIM 245570.

Allele frequency attached by ClinVar (database versions not stated): 1000 Genomes Project 30x 0.00016; TOPMed 0.00002; 1000 Genomes Project 0.00020.
gnomAD v4.1: 11 of 1,613,604 alleles (0.00068%); highest among the groups gnomAD compares: Admixed American, 0.013%; no homozygotes.

Submissions (2):

Labcorp Genetics (formerly Invitae), Labcorp
Classification: Likely benign for Landau-Kleffner syndrome. Last evaluated: 2025-04-18. Review status: criteria provided, single submitter. Criteria: Invitae Variant Classification Sherloc (09022015). Collection method: clinical testing. Allele origin: germline.

GeneDx
Classification: Uncertain significance. Last evaluated: 2019-05-17. Review status: criteria provided, single submitter. Criteria: GeneDx Variant Classification Process June 2021. Collection method: clinical testing. Allele origin: germline. Affected: yes.
Comment: Has not been previously published as pathogenic or benign to our knowledge; In silico analysis, which includes protein predictors and evolutionary conservation, supports that this variant does not alter protein structure/function

NM_001134407.3(GRIN2A):c.3476G>A (p.Arg1159His)

Gene: GRIN2A (glutamate ionotropic receptor NMDA type subunit 2A; minus strand). Cytogenetic location: 16p13.2.
Variant type: single nucleotide variant.
Coding change: c.3476G>A on transcript NM_001134407.3 (MANE Select); coding-DNA position 3476, G replaced by A.
Protein change: p.Arg1159His; replaces arginine 1159 with histidine.
Molecular consequence: missense variant.
Genome position (GRCh38, 1-based): chr16:9,764,068, C>T on the plus strand (G>A on the coding strand, the complement: GRIN2A is on the minus strand). VCF-style: chr16-9764068-C-T. GRCh37 (hg19) VCF-style: chr16-9857925-C-T.
Other names: c.3476G>A, p.Arg1159His (NM_000833.5, NM_001134408.2); short protein forms R1159H.
Identifiers: ClinVar variation 422401 (VCV000422401.13), dbSNP rs534440095, ClinGen allele CA7896309.
Genomic context (GRCh38, chr16:9,764,068, plus strand): 5'-GAAAGCCCCTCTTCATTATGCAAGGGGTTCCGGTTCATTGGCAGCGTGGAGTCCCCCTTG[C>T]GGAAGTTTTCACTGGGATCCTGGTAGGGGTCCGGGAAGTCCACGTTCTCGGGCAGGGTCA-3'
Protein context (NP_001127879.1, residues 1149-1169): DPYQDPSENF[Arg1159His]KGDSTLPMNR